The following is an entry in ClinVar:

ClinVar aggregate classification (germline): Uncertain significance. Review status: criteria provided, multiple submitters, no conflicts (2 of 4 stars). 2 submissions from 2 submitters: Uncertain significance (2). Last evaluated 2024-01-24.

Conditions:
Fanconi anemia complementation group F. Also called: FANCF-Related Fanconi Anemia. Identifiers: Orphanet 84, MedGen C3469526, MONDO:0011325, OMIM 603467.
Fanconi anemia (FA). Also called: Fanconi's anemia. Identifiers: Orphanet 84, MedGen C0015625, MeSH D005199, MONDO:0019391.

Allele frequency attached by ClinVar (database versions not stated): gnomAD exomes below 0.00001; gnomAD 0.00001; TOPMed 0.00001.

Submissions (2):

Fulgent Genetics
Classification: Uncertain significance for Fanconi anemia complementation group F. Last evaluated: 2024-01-24. Review status: criteria provided, single submitter. Criteria: ACMG Guidelines, 2015. Collection method: clinical testing. Allele origin: germline.

Labcorp Genetics (formerly Invitae), Labcorp
Classification: Uncertain significance for Fanconi anemia. Last evaluated: 2021-12-04. Review status: criteria provided, single submitter. Criteria: Invitae Variant Classification Sherloc (09022015). Collection method: clinical testing. Allele origin: germline.
Comment: In summary, the available evidence is currently insufficient to determine the role of this variant in disease. Therefore, it has been classified as a Variant of Uncertain Significance. Algorithms developed to predict the effect of missense changes on protein structure and function output the following: SIFT: "Tolerated"; PolyPhen-2: "Benign"; Align-GVGD: "Class C0". The histidine amino acid residue is found in multiple mammalian species, which suggests that this missense change does not adversely affect protein function. This variant has not been reported in the literature in individuals affected with FANCF-related conditions. This variant is present in population databases (rs768107677, gnomAD 0.002%). This sequence change replaces glutamine, which is neutral and polar, with histidine, which is basic and polar, at codon 235 of the FANCF protein (p.Gln235His).

NM_022725.4(FANCF):c.705A>C (p.Gln235His)

Gene: FANCF (FA complementation group F; minus strand). Cytogenetic location: 11p14.3.
Variant type: single nucleotide variant.
Coding change: c.705A>C on transcript NM_022725.4 (MANE Select); coding-DNA position 705, A replaced by C.
Protein change: p.Gln235His; replaces glutamine 235 with histidine.
Molecular consequence: missense variant.
Genome position (GRCh38, 1-based): chr11:22,625,106, T>G on the plus strand (A>C on the coding strand, the complement: FANCF is on the minus strand). VCF-style: chr11-22625106-T-G. GRCh37 (hg19) VCF-style: chr11-22646652-T-G.
Other names: short protein forms Q235H.
Identifiers: ClinVar variation 1382523 (VCV001382523.8), dbSNP rs768107677, ClinGen allele CA219086628.
Genomic context (GRCh38, chr11:22,625,106, plus strand): 5'-GAGGGCGCGACAAAAGGCAGCAAAGACTTCCGAATTCCCCAGAAGCCAGTGGACTAGCAC[T>G]TGGCTCCCCTCTCCAGGTGATTTGTGGATGCCGGGTTCCAACTCTTCTTGGGGCCGACGA-3'
Protein context (NP_073562.1, residues 225-245): GIHKSPGEGS[Gln235His]VLVHWLLGNS